The following is an entry in ClinVar:

NM_002354.3(EPCAM):c.103G>C (p.Ala35Pro)

Gene: EPCAM (epithelial cell adhesion molecule; plus strand). Cytogenetic location: 2p21.
Variant type: single nucleotide variant.
Coding change: c.103G>C on transcript NM_002354.3 (MANE Select); coding-DNA position 103, G replaced by C.
Protein change: p.Ala35Pro; replaces alanine 35 with proline.
Molecular consequence: missense variant.
Genome position (GRCh38, 1-based): chr2:47,373,489, G>C. VCF-style: chr2-47373489-G-C. GRCh37 (hg19) VCF-style: chr2-47600628-G-C.
Other names: short protein forms A35P.
Identifiers: ClinVar variation 4640409 (VCV004640409.1).
Genomic context (GRCh38, chr2:47,373,489, plus strand): 5'-CATTTTAAAGTAGATTTTTTTTTTAATTTTCTAGAATGTGTCTGTGAAAACTACAAGCTG[G>C]CCGTAAACTGCTTTGTGAATAATAATCGTCAATGCCAGTGTACTTCAGTTGGTGCACAAA-3'
Protein context (NP_002345.2, residues 25-45): EECVCENYKL[Ala35Pro]VNCFVNNNRQ

ClinVar aggregate classification (germline): Uncertain significance (1 of 4 stars; one submission).

Conditions:
Hereditary cancer-predisposing syndrome. Also called: Neoplastic Syndromes, Hereditary; Tumor predisposition; Hereditary Cancer Syndrome; Hereditary neoplastic syndrome. Identifiers: Orphanet 140162, MedGen C0027672, MeSH D009386, MONDO:0015356.

Submission:

Ambry Genetics
Classification: Uncertain significance for Hereditary cancer-predisposing syndrome. Last evaluated: 2025-10-16. Review status: criteria provided, single submitter. Criteria: Ambry Variant Classification Scheme 2023. Collection method: clinical testing. Allele origin: germline.
Comment: The p.A35P variant (also known as c.103G>C), located in coding exon 2 of the EPCAM gene, results from a G to C substitution at nucleotide position 103. The alanine at codon 35 is replaced by proline, an amino acid with highly similar properties. This amino acid position is conserved. In addition, this alteration is predicted to be tolerated by in silico analysis. Based on the available evidence, the clinical significance of this variant remains unclear.